The following is an entry in ClinVar:

ClinVar aggregate classification (germline): Uncertain significance (1 of 4 stars; one submission).

Conditions:
Primary ciliary dyskinesia. Also called: Ciliary dyskinesia. Identifiers: Orphanet 244, MedGen C0008780, MONDO:0016575, HP:0012265.

gnomAD v4.1: 9 of 1,613,684 alleles (0.00056%); highest among the groups gnomAD compares: Non-Finnish European, 0.00076%; no homozygotes.

Submission:

Labcorp Genetics (formerly Invitae), Labcorp
Classification: Uncertain significance for Primary ciliary dyskinesia. Last evaluated: 2026-01-28. Review status: criteria provided, single submitter. Criteria: Invitae Variant Classification Sherloc (09022015). Collection method: clinical testing. Allele origin: germline.
Comment: This sequence change replaces arginine, which is basic and polar, with leucine, which is neutral and non-polar, at codon 1541 of the DNAH11 protein (p.Arg1541Leu). This variant is not present in population databases (gnomAD no frequency). This variant has not been reported in the literature in individuals affected with DNAH11-related conditions. Invitae Evidence Modeling of protein sequence and biophysical properties (such as structural, functional, and spatial information, amino acid conservation, physicochemical variation, residue mobility, and thermodynamic stability) indicates that this missense variant is not expected to disrupt DNAH11 protein function with a negative predictive value of 95%. In summary, the available evidence is currently insufficient to determine the role of this variant in disease. Therefore, it has been classified as a Variant of Uncertain Significance.

NM_001277115.2(DNAH11):c.4622G>T (p.Arg1541Leu)

Gene: DNAH11 (dynein axonemal heavy chain 11; plus strand). Cytogenetic location: 7p15.3.
Variant type: single nucleotide variant.
Coding change: c.4622G>T on transcript NM_001277115.2 (MANE Select); coding-DNA position 4622, G replaced by T.
Protein change: p.Arg1541Leu; replaces arginine 1541 with leucine.
Molecular consequence: missense variant.
Genome position (GRCh38, 1-based): chr7:21,635,992, G>T. VCF-style: chr7-21635992-G-T. GRCh37 (hg19) VCF-style: chr7-21675610-G-T.
Other names: short protein forms R1541L.
Identifiers: ClinVar variation 4765966 (VCV004765966.1).
Genomic context (GRCh38, chr7:21,635,992, plus strand): 5'-GCTGGCAAAATAAATTAAACATAGCAGACTTGGTCATCTTCACTTGGATGGAAGTCCAGC[G>T]AACTTGGTCTCACCTGGAAAGCATTTTTGTCTGTTCAGAAGATATTCGAATCCAGCTTGT-3'
Protein context (NP_001264044.1, residues 1531-1551): LVIFTWMEVQ[Arg1541Leu]TWSHLESIFV